The following is an entry in ClinVar:

NM_016123.4(IRAK4):c.1082G>A (p.Arg361His)

Gene: IRAK4 (interleukin 1 receptor associated kinase 4; plus strand). Cytogenetic location: 12q12.
Variant type: single nucleotide variant.
Coding change: c.1082G>A on transcript NM_016123.4 (MANE Select); coding-DNA position 1082, G replaced by A.
Protein change: p.Arg361His; replaces arginine 361 with histidine.
Molecular consequence: missense variant.
Genome position (GRCh38, 1-based): chr12:43,782,447, G>A. VCF-style: chr12-43782447-G-A. GRCh37 (hg19) VCF-style: chr12-44176250-G-A.
Other names: c.1082G>A, p.Arg361His (NM_001114182.3, NM_001351345.2); c.710G>A, p.Arg237His (NM_001145256.2, NM_001145257.2, NM_001145258.2 and 5 more transcripts); c.473G>A, p.Arg158His (NM_001351343.2, NM_001351344.2); short protein forms R158H, R237H, R361H.
Identifiers: ClinVar variation 957634 (VCV000957634.3), dbSNP rs764106350, ClinGen allele CA6522569.

ClinVar aggregate classification (germline): Uncertain significance. Review status: criteria provided, multiple submitters, no conflicts (2 of 4 stars). 3 submissions from 3 submitters: Uncertain significance (3). Last evaluated 2023-12-17.

Conditions:
Inborn genetic diseases. Identifiers: MedGen C0950123, MeSH D030342.
Immunodeficiency 67. Also called: Immunodeficiency due to interleukin-1 receptor-associated kinase-4 deficiency. Identifiers: Orphanet 70592, MedGen C1843256, MONDO:0011888, OMIM 607676.

Allele frequency attached by ClinVar (database versions not stated): gnomAD 0.00001 and 0.00003; TOPMed 0.00001; gnomAD exomes 0.00005 and 0.00008; ExAC 0.00009.
gnomAD v4.1: 80 of 1,613,728 alleles (0.005%); highest among the groups gnomAD compares: South Asian, 0.067%; no homozygotes.

Submissions (3):

Ambry Genetics
Classification: Uncertain significance for Inborn genetic diseases. Last evaluated: 2023-12-17. Review status: criteria provided, single submitter. Criteria: Ambry Variant Classification Scheme 2023. Collection method: clinical testing. Allele origin: germline.

Labcorp Genetics (formerly Invitae), Labcorp
Classification: Uncertain significance for Immunodeficiency due to interleukin-1 receptor-associated kinase-4 deficiency. Last evaluated: 2019-09-27. Review status: criteria provided, single submitter. Criteria: Invitae Variant Classification Sherloc (09022015). Collection method: clinical testing. Allele origin: germline.
Comment: This sequence change replaces arginine with histidine at codon 361 of the IRAK4 protein (p.Arg361His). The arginine residue is moderately conserved and there is a small physicochemical difference between arginine and histidine. This variant is present in population databases (rs764106350, ExAC 0.05%). This variant has not been reported in the literature in individuals with IRAK4-related conditions. Algorithms developed to predict the effect of missense changes on protein structure and function are either unavailable or do not agree on the potential impact of this missense change (SIFT: "Tolerated"; PolyPhen-2: "Possibly Damaging"; Align-GVGD: "Class C0"). In summary, the available evidence is currently insufficient to determine the role of this variant in disease. Therefore, it has been classified as a Variant of Uncertain Significance.

Breakthrough Genomics
Classification: Uncertain significance. Review status: criteria provided, single submitter. Criteria: ACMG Guidelines, 2015. Collection method: not provided. Allele origin: germline. Inheritance: Autosomal recessive inheritance. Affected: yes.